The following is an entry in ClinVar:

ClinVar aggregate classification (germline): Likely benign (0 of 4 stars; one submission).

Conditions:
MYH10-related disorder. Also called: MYH10-related condition.

Allele frequency attached by ClinVar (database versions not stated): gnomAD 0.00007; ExAC 0.00003; 1000 Genomes Project 0.00020; TOPMed 0.00008; 1000 Genomes Project 30x 0.00031.
gnomAD v4.1: 23 of 1,613,506 alleles (0.0014%); highest among the groups gnomAD compares: African/African-American, 0.027%; no homozygotes.

Submission:

PreventionGenetics, part of Exact Sciences
Classification: Likely benign for MYH10-related condition. Last evaluated: 2019-07-23. Review status: no assertion criteria provided. Collection method: clinical testing. Allele origin: germline.
Comment: This variant is classified as likely benign based on ACMG/AMP sequence variant interpretation guidelines (Richards et al. 2015 PMID: 25741868, with internal and published modifications).

NM_001256012.3(MYH10):c.5379C>G (p.Thr1793=)

Gene: MYH10 (myosin heavy chain 10; minus strand). Cytogenetic location: 17p13.1.
Variant type: single nucleotide variant.
Coding change: c.5379C>G on transcript NM_001256012.3 (MANE Select); coding-DNA position 5379, C replaced by G.
Protein change: p.Thr1793=; no amino-acid change (threonine 1793 retained).
Molecular consequence: synonymous variant.
Genome position (GRCh38, 1-based): chr17:8,480,411, G>C on the plus strand (C>G on the coding strand, the complement: MYH10 is on the minus strand). VCF-style: chr17-8480411-G-C. GRCh37 (hg19) VCF-style: chr17-8383729-G-C.
Other names: c.5313C>G, p.Thr1771= (NM_001256095.2); c.5316C>G, p.Thr1772= (NM_001375266.1); c.5286C>G, p.Thr1762= (NM_005964.5).
Identifiers: ClinVar variation 3049618 (VCV003049618.2), dbSNP rs200292566, ClinGen allele CA8376840.